The following is an entry in ClinVar:

ClinVar aggregate classification (germline): Uncertain significance (1 of 4 stars; one submission).

Conditions:
Hereditary pancreatitis (PCTT). Also called: Hereditary chronic pancreatitis; PRSS1-Related Hereditary Pancreatitis. Identifiers: Orphanet 676, MedGen C0238339, MONDO:0008185, OMIM 167800.

Submission:

Ambry Genetics
Classification: Uncertain significance for Hereditary pancreatitis. Last evaluated: 2022-06-13. Review status: criteria provided, single submitter. Criteria: Ambry Variant Classification Scheme 2023. Collection method: clinical testing. Allele origin: germline.
Comment: The p.L224F variant (also known as c.672G>T), located in coding exon 7 of the CTRC gene, results from a G to T substitution at nucleotide position 672. The leucine at codon 224 is replaced by phenylalanine, an amino acid with highly similar properties. This amino acid position is conserved. In addition, this alteration is predicted to be tolerated by in silico analysis. Since supporting evidence is limited at this time, the clinical significance of this alteration remains unclear.

NM_007272.3(CTRC):c.672G>T (p.Leu224Phe)

Gene: CTRC (chymotrypsin C; plus strand). Cytogenetic location: 1p36.21.
Variant type: single nucleotide variant.
Coding change: c.672G>T on transcript NM_007272.3 (MANE Select); coding-DNA position 672, G replaced by T.
Protein change: p.Leu224Phe; replaces leucine 224 with phenylalanine.
Molecular consequence: missense variant.
Genome position (GRCh38, 1-based): chr1:15,445,629, G>T. VCF-style: chr1-15445629-G-T. GRCh37 (hg19) VCF-style: chr1-15772124-G-T.
Other names: short protein forms L224F.
Identifiers: ClinVar variation 1755131 (VCV001755131.2), dbSNP rs2103293066, ClinGen allele CA338567738.